The following is an entry in ClinVar:

ClinVar aggregate classification (germline): Uncertain significance (1 of 4 stars; one submission).

gnomAD v4.1: 2 of 1,614,098 alleles (0.00012%); highest among the groups gnomAD compares: African/African-American, 0.0027%; no homozygotes.

Submission:

Labcorp Genetics (formerly Invitae), Labcorp
Classification: Uncertain significance. Last evaluated: 2024-10-07. Review status: criteria provided, single submitter. Criteria: Invitae Variant Classification Sherloc (09022015). Collection method: clinical testing. Allele origin: germline.
Comment: This sequence change replaces isoleucine, which is neutral and non-polar, with phenylalanine, which is neutral and non-polar, at codon 749 of the RFWD3 protein (p.Ile749Phe). This variant is present in population databases (rs747371853, gnomAD 0.01%). This variant has not been reported in the literature in individuals affected with RFWD3-related conditions. An algorithm developed to predict the effect of missense changes on protein structure and function (PolyPhen-2) suggests that this variant is likely to be disruptive. In summary, the available evidence is currently insufficient to determine the role of this variant in disease. Therefore, it has been classified as a Variant of Uncertain Significance.

NM_018124.4(RFWD3):c.2245A>T (p.Ile749Phe)

Gene: RFWD3 (ring finger and WD repeat domain 3; minus strand). Cytogenetic location: 16q23.1.
Variant type: single nucleotide variant.
Coding change: c.2245A>T on transcript NM_018124.4 (MANE Select); coding-DNA position 2245, A replaced by T.
Protein change: p.Ile749Phe; replaces isoleucine 749 with phenylalanine.
Molecular consequence: missense variant.
Genome position (GRCh38, 1-based): chr16:74,624,008, T>A on the plus strand (A>T on the coding strand, the complement: RFWD3 is on the minus strand). VCF-style: chr16-74624008-T-A. GRCh37 (hg19) VCF-style: chr16-74657906-T-A.
Other names: c.2245A>T, p.Ile749Phe (NM_001370534.1, NM_001370535.1); c.2068A>T, p.Ile690Phe (NM_001370536.1); c.1411A>T, p.Ile471Phe (NM_001370537.1, NM_001370539.1, NM_001370540.1 and 2 more transcripts); short protein forms I690F, I471F, I749F.
Identifiers: ClinVar variation 3722418 (VCV003722418.2).
Genomic context (GRCh38, chr16:74,624,008, plus strand): 5'-GGACCATCTTCTCTGTTAAGGTAGCCAAGTAGCTGTTACGGTTCACCTCAAATGGGCAGA[T>A]GTCCAACACAGGCTGATCGGTCTGTAGGTCCTGGAGCAACGAGCCACTGGCAGCATCCCA-3'
Protein context (NP_060594.3, residues 739-759): DLQTDQPVLD[Ile749Phe]CPFEVNRNSY